The following is an entry in ClinVar:

ClinVar aggregate classification (germline): Likely benign. Review status: criteria provided, single submitter (1 of 4 stars). 2 submissions from 2 submitters: Likely benign (1). 1 of the submissions does not count toward it. Last evaluated 2024-10-24.

Conditions:
GAS2L2-related disorder. Also called: GAS2L2-related condition.

Allele frequency attached by ClinVar (database versions not stated): ESP Exome Variant Server 0.00038; gnomAD 0.00042; TOPMed 0.00054; ExAC 0.00056; 1000 Genomes Project 0.00060; 1000 Genomes Project 30x 0.00078.
gnomAD v4.1: 614 of 1,613,628 alleles (0.038%); highest among the groups gnomAD compares: Middle Eastern, 0.099%; no homozygotes.

Submissions (2):

Blueprint Genetics
Classification: Likely benign. Last evaluated: 2024-10-24. Review status: criteria provided, single submitter. Criteria: ACMG Guidelines, 2015. Collection method: clinical testing. Allele origin: germline.

PreventionGenetics, part of Exact Sciences
Classification: Likely benign for GAS2L2-related condition. Last evaluated: 2019-11-20. Review status: no assertion criteria provided. Collection method: clinical testing. Allele origin: germline. Not counted in ClinVar's aggregate classification.
Comment: This variant is classified as likely benign based on ACMG/AMP sequence variant interpretation guidelines (Richards et al. 2015 PMID: 25741868, with internal and published modifications).

NM_139285.4(GAS2L2):c.1620C>T (p.Ala540=)

Gene: GAS2L2 (growth arrest specific 2 like 2; minus strand). Cytogenetic location: 17q12.
Variant type: single nucleotide variant.
Coding change: c.1620C>T on transcript NM_139285.4 (MANE Select); coding-DNA position 1620, C replaced by T.
Protein change: p.Ala540=; no amino-acid change (alanine 540 retained).
Molecular consequence: synonymous variant.
Genome position (GRCh38, 1-based): chr17:35,745,877, G>A on the plus strand (C>T on the coding strand, the complement: GAS2L2 is on the minus strand). VCF-style: chr17-35745877-G-A. GRCh37 (hg19) VCF-style: chr17-34072896-G-A.
Identifiers: ClinVar variation 3053576 (VCV003053576.3), dbSNP rs144128342, ClinGen allele CA8506021.